The following is an entry in ClinVar:

ClinVar aggregate classification (germline): Uncertain significance (1 of 4 stars; one submission).

Conditions:
Mevalonic aciduria (MEVA). Identifiers: Orphanet 29, MedGen C1959626, MONDO:0012481, OMIM 610377.
Porokeratosis 3, disseminated superficial actinic type (POROK3). Also called: POROKERATOSIS 3, MULTIPLE TYPES; POROKERATOSIS 3, MIBELLI TYPE; POROKERATOSIS, DISSEMINATED SUPERFICIAL ACTINIC, 1. Identifiers: MedGen C1867981, MONDO:0008293, OMIM 175900.
Hyperimmunoglobulin D with periodic fever (HIDS). Also called: HYPERIMMUNOGLOBULINEMIA D AND PERIODIC FEVER SYNDROME; Hyperimmunoglobulinemia D; Hyperimmunoglobulinemia D with periodic fever. Identifiers: Orphanet 343, MedGen C0398691, MONDO:0009849, OMIM 260920.

Submission:

Labcorp Genetics (formerly Invitae), Labcorp
Classification: Uncertain significance for Mevalonic aciduria; Hyperimmunoglobulin D with periodic fever; Porokeratosis 3, disseminated superficial actinic type. Last evaluated: 2024-05-11. Review status: criteria provided, single submitter. Criteria: Invitae Variant Classification Sherloc (09022015). Collection method: clinical testing. Allele origin: germline.
Comment: This sequence change falls in intron 3 of the MVK gene. It does not directly change the encoded amino acid sequence of the MVK protein. This variant is not present in population databases (gnomAD no frequency). This variant has not been reported in the literature in individuals affected with MVK-related conditions. Algorithms developed to predict the effect of sequence changes on RNA splicing suggest that this variant may disrupt the consensus splice site. In summary, the available evidence is currently insufficient to determine the role of this variant in disease. Therefore, it has been classified as a Variant of Uncertain Significance.

NM_000431.4(MVK):c.227-7G>A

Gene: MVK (mevalonate kinase; plus strand). Cytogenetic location: 12q24.11.
Variant type: single nucleotide variant.
Coding change: c.227-7G>A on transcript NM_000431.4 (MANE Select); 7 bases into the intron before coding-DNA position 227, G replaced by A.
Molecular consequence: intron variant.
Genome position (GRCh38, 1-based): chr12:109,579,795, G>A. VCF-style: chr12-109579795-G-A. GRCh37 (hg19) VCF-style: chr12-110017600-G-A.
Other names: c.227-7G>A (NM_001414511.1, NM_001414512.1, NM_001414513.1 and 3 more transcripts); c.-356-7G>A (NM_001414515.1).
Identifiers: ClinVar variation 3756305 (VCV003756305.2).